The following is an entry in ClinVar:

ClinVar aggregate classification (germline): Likely benign (0 of 4 stars; one submission).

Conditions:
GTF3C3-related disorder. Also called: GTF3C3-related condition.

Submission:

PreventionGenetics, part of Exact Sciences
Classification: Likely benign for GTF3C3-related condition. Last evaluated: 2023-05-22. Review status: no assertion criteria provided. Collection method: clinical testing. Allele origin: germline.
Comment: This variant is classified as likely benign based on ACMG/AMP sequence variant interpretation guidelines (Richards et al. 2015 PMID: 25741868, with internal and published modifications).

NM_012086.5(GTF3C3):c.309GGA[8] (p.Glu111_Thr112insGlu)

Gene: GTF3C3 (general transcription factor IIIC subunit 3; minus strand). Cytogenetic location: 2q33.1.
Variant type: Microsatellite.
Coding change: c.309GGA[8] on transcript NM_012086.5 (MANE Select); eight copies in a row of the 3-base unit GGA starting at c.309; the reference has seven copies in a row; one copy, 3 bases duplicated.
Protein change: p.Glu111_Thr112insGlu.
Genome position (GRCh38, 1-based): chr2:196,793,038-196,793,040, TCC duplicated on the plus strand (GGA on the coding strand, the reverse complement: GTF3C3 is on the minus strand); duplicating any 3 consecutive bases within chr2:196,793,038-196,793,060 gives the same sequence; the position shown is the placement nearest the transcript's 3' end. VCF-style (leftmost placement, unchanged base first): chr2-196793037-T-TTCC. GRCh37 (hg19) VCF-style: chr2-197657761-T-TTCC.
Other names: c.309GGA[8], p.Glu111_Thr112insGlu (NM_001206774.2).
Identifiers: ClinVar variation 3052057 (VCV003052057.2), dbSNP rs555178972, ClinGen allele CA2040316.